The following is an entry in ClinVar:

ClinVar aggregate classification (germline): Uncertain significance. Review status: criteria provided, single submitter (1 of 4 stars). 2 submissions from 1 submitter: Uncertain significance (2). Last evaluated 2021-03-30.

Conditions:
Epidermodysplasia verruciformis, susceptibility to, 1. Identifiers: Orphanet 302, MedGen C4722564, MONDO:0100045, OMIM 226400.
Epidermodysplasia verruciformis, susceptibility to, 2. Also called: Epidermodysplasia verruciformis 2. Identifiers: MedGen C4722258, MONDO:0032614, OMIM 618231.

Allele frequency attached by ClinVar (database versions not stated): gnomAD exomes below 0.00001; TOPMed below 0.00001.
gnomAD v4.1: 3 of 1,602,298 alleles (0.00019%); highest among the groups gnomAD compares: African/African-American, 0.004%; no homozygotes.

Submissions (2):

Center for Genomics, Ann and Robert H. Lurie Children's Hospital of Chicago
Classification: Uncertain significance for Epidermodysplasia verruciformis, susceptibility to, 2. Last evaluated: 2021-03-30. Review status: criteria provided, single submitter. Criteria: ACMG Guidelines, 2015. Collection method: clinical testing. Allele origin: germline.
Comment: TMC8 NM_152468.4 exon 16 p.Gly707Glu (c.2120G>A): This variant has not been reported in the literature and is not present in large control databases. Evolutionary conservation and computational predictive tools for this variant are unclear. In summary, data on this variant is insufficient for disease classification. Therefore, the clinical significance of this variant is uncertain.

Center for Genomics, Ann and Robert H. Lurie Children's Hospital of Chicago
Classification: Uncertain significance for Epidermodysplasia verruciformis, susceptibility to, 1. Last evaluated: 2019-06-20. Review status: criteria provided, single submitter. Criteria: ACMG Guidelines, 2015. Collection method: clinical testing. Allele origin: germline.
Comment: the same text as in the submission from Center for Genomics, Ann and Robert H. Lurie Children's Hospital of Chicago above.

NM_152468.5(TMC8):c.2120G>A (p.Gly707Glu)

Gene: TMC8 (transmembrane channel like 8; plus strand). Cytogenetic location: 17q25.3.
Variant type: single nucleotide variant.
Coding change: c.2120G>A on transcript NM_152468.5 (MANE Select); coding-DNA position 2120, G replaced by A.
Protein change: p.Gly707Glu; replaces glycine 707 with glutamic acid.
Molecular consequence: missense variant.
Genome position (GRCh38, 1-based): chr17:78,141,051, G>A. VCF-style: chr17-78141051-G-A. GRCh37 (hg19) VCF-style: chr17-76137132-G-A.
Other names: short protein forms G707E.
Identifiers: ClinVar variation 827990 (VCV000827990.2), dbSNP rs1434316891, ClinGen allele CA401254768.